The following is an entry in ClinVar:

NM_000038.6(APC):c.2888G>C (p.Ser963Thr)

Gene: APC (APC regulator of Wnt signaling pathway; plus strand). Cytogenetic location: 5q22.2.
Variant type: single nucleotide variant.
Coding change: c.2888G>C on transcript NM_000038.6 (MANE Select); coding-DNA position 2888, G replaced by C.
Protein change: p.Ser963Thr; replaces serine 963 with threonine.
Molecular consequence: missense variant.
Genome position (GRCh38, 1-based): chr5:112,838,482, G>C. VCF-style: chr5-112838482-G-C. GRCh37 (hg19) VCF-style: chr5-112174179-G-C.
Other names: c.2888G>C, p.Ser963Thr (NM_001127510.3, NM_001354895.2); c.2834G>C, p.Ser945Thr (NM_001127511.3); c.2942G>C, p.Ser981Thr (NM_001354896.2); c.2918G>C, p.Ser973Thr (NM_001354897.2); c.2813G>C, p.Ser938Thr (NM_001354898.2); c.2804G>C, p.Ser935Thr (NM_001354899.2); c.2765G>C, p.Ser922Thr (NM_001354900.2); c.2711G>C, p.Ser904Thr (NM_001354901.2); and 6 more; short protein forms S680T, S803T, S837T, S862T, S872T, S904T, S922T, S935T.
Identifiers: ClinVar variation 1024811 (VCV001024811.11), dbSNP rs1765289161, ClinGen allele CA16027634.

ClinVar aggregate classification (germline): Uncertain significance. Review status: criteria provided, multiple submitters, no conflicts (2 of 4 stars). 2 submissions from 2 submitters: Uncertain significance (2). Last evaluated 2025-07-07.

Conditions:
Hereditary cancer-predisposing syndrome. Also called: Hereditary Cancer Syndrome; Neoplastic Syndromes, Hereditary; Tumor predisposition; Hereditary neoplastic syndrome. Identifiers: Orphanet 140162, MedGen C0027672, MeSH D009386, MONDO:0015356.
Familial adenomatous polyposis 1 (FAP1). Also called: POLYPOSIS, ADENOMATOUS INTESTINAL; FAMILIAL ADENOMATOUS POLYPOSIS 1, ATTENUATED. Identifiers: MedGen C2713442, MONDO:0021056, OMIM 175100. Disease mechanism: loss of function.

Submissions (2):

Ambry Genetics
Classification: Uncertain significance for Hereditary cancer-predisposing syndrome. Last evaluated: 2025-07-07. Review status: criteria provided, single submitter. Criteria: Ambry Variant Classification Scheme 2023. Collection method: clinical testing. Allele origin: germline.
Comment: The p.S963T variant (also known as c.2888G>C), located in coding exon 15 of the APC gene, results from a G to C substitution at nucleotide position 2888. The serine at codon 963 is replaced by threonine, an amino acid with similar properties. This amino acid position is conserved. In addition, in silico predictors for this gene do not accurately predict pathogenicity. Based on the available evidence, the clinical significance of this variant remains unclear.

Labcorp Genetics (formerly Invitae), Labcorp
Classification: Uncertain significance for Familial adenomatous polyposis 1. Last evaluated: 2022-10-21. Review status: criteria provided, single submitter. Criteria: Invitae Variant Classification Sherloc (09022015). Collection method: clinical testing. Allele origin: germline.
Comment: In summary, the available evidence is currently insufficient to determine the role of this variant in disease. Therefore, it has been classified as a Variant of Uncertain Significance. Advanced modeling of protein sequence and biophysical properties (such as structural, functional, and spatial information, amino acid conservation, physicochemical variation, residue mobility, and thermodynamic stability) performed at Invitae indicates that this missense variant is not expected to disrupt APC protein function. ClinVar contains an entry for this variant (Variation ID: 1024811). This variant has not been reported in the literature in individuals affected with APC-related conditions. This variant is not present in population databases (gnomAD no frequency). This sequence change replaces serine, which is neutral and polar, with threonine, which is neutral and polar, at codon 963 of the APC protein (p.Ser963Thr).